The following is an entry in ClinVar:

NM_000057.4(BLM):c.3211G>C (p.Asp1071His)

Gene: BLM (BLM RecQ like helicase; plus strand). Cytogenetic location: 15q26.1.
Variant type: single nucleotide variant.
Coding change: c.3211G>C on transcript NM_000057.4 (MANE Select); coding-DNA position 3211, G replaced by C.
Protein change: p.Asp1071His; replaces aspartic acid 1071 with histidine.
Molecular consequence: missense variant.
Genome position (GRCh38, 1-based): chr15:90,798,190, G>C. VCF-style: chr15-90798190-G-C. GRCh37 (hg19) VCF-style: chr15-91341420-G-C.
Other names: c.3211G>C, p.Asp1071His (NM_001287246.2, NM_001287247.2); c.2086G>C, p.Asp696His (NM_001287248.2); short protein forms D1071H, D696H.
Identifiers: ClinVar variation 4773801 (VCV004773801.2).

ClinVar aggregate classification (germline): Uncertain significance. Review status: criteria provided, multiple submitters, no conflicts (2 of 4 stars). 2 submissions from 2 submitters: Uncertain significance (2). Last evaluated 2026-04-09.

Conditions:
Bloom syndrome (BLM). Also called: Bloom-Torre-Machacek syndrome. Identifiers: Orphanet 125, MedGen C0005859, MONDO:0008876, OMIM 210900.
Hereditary cancer-predisposing syndrome. Also called: Hereditary neoplastic syndrome; Neoplastic Syndromes, Hereditary; Tumor predisposition; Hereditary Cancer Syndrome. Identifiers: Orphanet 140162, MedGen C0027672, MeSH D009386, MONDO:0015356.

Submissions (2):

Ambry Genetics
Classification: Uncertain significance for Hereditary cancer-predisposing syndrome. Last evaluated: 2026-04-09. Review status: criteria provided, single submitter. Criteria: Ambry Variant Classification Scheme 2023. Collection method: clinical testing. Allele origin: germline.
Comment: The p.D1071H variant (also known as c.3211G>C) is located in coding exon 16 of the BLM gene. The aspartic acid at codon 1071 is replaced by histidine, an amino acid with similar properties. This change occurs in the first base pair of coding exon 16. This amino acid position is conserved. In addition, this alteration is predicted to be tolerated by in silico analysis. Based on the available evidence, the clinical significance of this variant remains unclear.

Labcorp Genetics (formerly Invitae), Labcorp
Classification: Uncertain significance for Bloom syndrome. Last evaluated: 2026-01-10. Review status: criteria provided, single submitter. Criteria: Invitae Variant Classification Sherloc (09022015). Collection method: clinical testing. Allele origin: germline.
Comment: This sequence change replaces aspartic acid, which is acidic and polar, with histidine, which is basic and polar, at codon 1071 of the BLM protein (p.Asp1071His). This variant is not present in population databases (gnomAD no frequency). This variant has not been reported in the literature in individuals affected with BLM-related conditions. An algorithm developed to predict the effect of missense changes on protein structure and function (PolyPhen-2) suggests that this variant is likely to be disruptive. In summary, the available evidence is currently insufficient to determine the role of this variant in disease. Therefore, it has been classified as a Variant of Uncertain Significance.